The following is an entry in ClinVar:

ClinVar aggregate classification (germline): Benign/Likely benign. Review status: criteria provided, multiple submitters, no conflicts (2 of 4 stars). 3 submissions from 3 submitters: Benign (1); Likely benign (2). Last evaluated 2026-01-19.

Conditions:
CEP250-related disorder. Also called: CEP250-related condition.

Allele frequency attached by ClinVar (database versions not stated): gnomAD exomes 0.00010 and 0.00025; ExAC 0.00036; gnomAD 0.00088 and 0.00090; TOPMed 0.00100; ESP Exome Variant Server 0.00146; 1000 Genomes Project 30x 0.00172; 1000 Genomes Project 0.00200.
gnomAD v4.1: 293 of 1,613,640 alleles (0.018%); highest among the groups gnomAD compares: African/African-American, 0.34%; 1 homozygote.

Submissions (3):

Labcorp Genetics (formerly Invitae), Labcorp
Classification: Benign. Last evaluated: 2026-01-19. Review status: criteria provided, single submitter. Criteria: Invitae Variant Classification Sherloc (09022015). Collection method: clinical testing. Allele origin: germline.

PreventionGenetics, part of Exact Sciences
Classification: Likely benign for CEP250-related condition. Last evaluated: 2025-07-13. Review status: criteria provided, single submitter. Criteria: ACMG Guidelines, 2015. Collection method: clinical testing. Allele origin: germline.
Comment: This variant is classified as likely benign based on ACMG/AMP sequence variant interpretation guidelines (Richards et al. 2015 PMID: 25741868, with internal and published modifications).

Blueprint Genetics
Classification: Likely benign. Last evaluated: 2024-08-28. Review status: criteria provided, single submitter. Criteria: ACMG Guidelines, 2015. Collection method: clinical testing. Allele origin: germline.

NM_007186.6(CEP250):c.4485C>T (p.Ala1495=)

Gene: CEP250 (centrosomal protein 250; plus strand). Cytogenetic location: 20q11.22.
Variant type: single nucleotide variant.
Coding change: c.4485C>T on transcript NM_007186.6 (MANE Select); coding-DNA position 4485, C replaced by T.
Protein change: p.Ala1495=; no amino-acid change (alanine 1495 retained).
Molecular consequence: synonymous variant.
Genome position (GRCh38, 1-based): chr20:35,502,854, C>T. VCF-style: chr20-35502854-C-T. GRCh37 (hg19) VCF-style: chr20-34090682-C-T.
Other names: c.4485C>T (NM_007186.5); c.2589C>T, p.Ala863= (NM_001318219.1).
Identifiers: ClinVar variation 1164771 (VCV001164771.11), dbSNP rs114039410, ClinGen allele CA9833725.